The following is an entry in ClinVar:

ClinVar aggregate classification (germline): Uncertain significance (1 of 4 stars; one submission).

gnomAD v4.1: 9 of 1,614,226 alleles (0.00056%); highest among the groups gnomAD compares: Non-Finnish European, 0.00068%; no homozygotes.

Submission:

Labcorp Genetics (formerly Invitae), Labcorp
Classification: Uncertain significance. Last evaluated: 2025-12-04. Review status: criteria provided, single submitter. Criteria: Invitae Variant Classification Sherloc (09022015). Collection method: clinical testing. Allele origin: germline.
Comment: This sequence change replaces glycine, which is neutral and non-polar, with serine, which is neutral and polar, at codon 1266 of the ADCY10 protein (p.Gly1266Ser). This variant is not present in population databases (gnomAD no frequency). This variant has not been reported in the literature in individuals affected with ADCY10-related conditions. An algorithm developed to predict the effect of missense changes on protein structure and function outputs the following: PolyPhen-2: "Benign". The serine amino acid residue is found in multiple mammalian species, which suggests that this missense change does not adversely affect protein function. In summary, the available evidence is currently insufficient to determine the role of this variant in disease. Therefore, it has been classified as a Variant of Uncertain Significance.

NM_018417.6(ADCY10):c.3796G>A (p.Gly1266Ser)

Gene: ADCY10 (adenylate cyclase 10; minus strand). Cytogenetic location: 1q24.2.
Variant type: single nucleotide variant.
Coding change: c.3796G>A on transcript NM_018417.6 (MANE Select); coding-DNA position 3796, G replaced by A.
Protein change: p.Gly1266Ser; replaces glycine 1266 with serine.
Molecular consequence: missense variant.
Genome position (GRCh38, 1-based): chr1:167,824,810, C>T on the plus strand (G>A on the coding strand, the complement: ADCY10 is on the minus strand). VCF-style: chr1-167824810-C-T. GRCh37 (hg19) VCF-style: chr1-167794048-C-T.
Other names: c.3337G>A, p.Gly1113Ser (NM_001167749.3); c.3520G>A, p.Gly1174Ser (NM_001297772.2); short protein forms G1174S, G1266S, G1113S.
Identifiers: ClinVar variation 4776523 (VCV004776523.1).
Genomic context (GRCh38, chr1:167,824,810, plus strand): 5'-GGAGGTTGAAGATGTGCTCCATGGCCATGACTTCATATTTGAACCACACACCTTTGTAGC[C>T]AGCCAGGTGGTGGTATAGCGAATAGTCTAGGTAAGCCTTAATGATCTGAAATGGCAGAGT-3'
Protein context (NP_060887.2, residues 1256-1276): LDYSLYHHLA[Gly1266Ser]YKGVWFKYEV